The following is an entry in ClinVar:

NM_006231.4(POLE):c.6097C>G (p.Leu2033Val)

Gene: POLE (DNA polymerase epsilon, catalytic subunit; minus strand). Cytogenetic location: 12q24.33.
Variant type: single nucleotide variant.
Coding change: c.6097C>G on transcript NM_006231.4 (MANE Select); coding-DNA position 6097, C replaced by G.
Protein change: p.Leu2033Val; replaces leucine 2033 with valine.
Molecular consequence: missense variant.
Genome position (GRCh38, 1-based): chr12:132,632,703, G>C on the plus strand (C>G on the coding strand, the complement: POLE is on the minus strand). VCF-style: chr12-132632703-G-C. GRCh37 (hg19) VCF-style: chr12-133209289-G-C.
Other names: short protein forms L2033V.
Identifiers: ClinVar variation 663598 (VCV000663598.10), dbSNP rs779820079, ClinGen allele CA6892283.

ClinVar aggregate classification (germline): Conflicting classifications of pathogenicity. Review status: criteria provided, conflicting classifications (1 of 4 stars). 2 submissions from 2 submitters: Uncertain significance (1); Likely benign (1). Last evaluated 2025-03-06.

Conditions:
Hereditary cancer-predisposing syndrome. Also called: Neoplastic Syndromes, Hereditary; Tumor predisposition; Hereditary neoplastic syndrome; Hereditary Cancer Syndrome. Identifiers: Orphanet 140162, MedGen C0027672, MeSH D009386, MONDO:0015356.

Allele frequency attached by ClinVar (database versions not stated): TOPMed below 0.00001; ExAC 0.00001.
gnomAD v4.1: 6 of 1,613,878 alleles (0.00037%); highest among the groups gnomAD compares: Non-Finnish European, 0.00051%; no homozygotes.

Submissions (2):

Ambry Genetics
Classification: Likely benign for Hereditary cancer-predisposing syndrome. Last evaluated: 2025-03-06. Review status: criteria provided, single submitter. Criteria: Ambry Variant Classification Scheme 2023. Collection method: clinical testing. Allele origin: germline.

Labcorp Genetics (formerly Invitae), Labcorp
Classification: Uncertain significance. Last evaluated: 2023-11-24. Review status: criteria provided, single submitter. Criteria: Invitae Variant Classification Sherloc (09022015). Collection method: clinical testing. Allele origin: germline.
Comment: This sequence change replaces leucine, which is neutral and non-polar, with valine, which is neutral and non-polar, at codon 2033 of the POLE protein (p.Leu2033Val). This variant is present in population databases (rs779820079, gnomAD 0.0009%). This variant has not been reported in the literature in individuals affected with POLE-related conditions. ClinVar contains an entry for this variant (Variation ID: 663598). Advanced modeling of protein sequence and biophysical properties (such as structural, functional, and spatial information, amino acid conservation, physicochemical variation, residue mobility, and thermodynamic stability) performed at Invitae indicates that this missense variant is not expected to disrupt POLE protein function with a negative predictive value of 80%. In summary, the available evidence is currently insufficient to determine the role of this variant in disease. Therefore, it has been classified as a Variant of Uncertain Significance.